The following is an entry in ClinVar:

NM_000528.4(MAN2B1):c.2050C>A (p.Pro684Thr)

Gene: MAN2B1 (mannosidase alpha class 2B member 1; minus strand). Cytogenetic location: 19p13.13.
Variant type: single nucleotide variant.
Coding change: c.2050C>A on transcript NM_000528.4 (MANE Select); coding-DNA position 2050, C replaced by A.
Protein change: p.Pro684Thr; replaces proline 684 with threonine.
Molecular consequence: missense variant.
Genome position (GRCh38, 1-based): chr19:12,650,219, G>T on the plus strand (C>A on the coding strand, the complement: MAN2B1 is on the minus strand). VCF-style: chr19-12650219-G-T. GRCh37 (hg19) VCF-style: chr19-12761033-G-T.
Other names: c.2047C>A, p.Pro683Thr (NM_001173498.2); short protein forms P683T, P684T.
Identifiers: ClinVar variation 990082 (VCV000990082.3), dbSNP rs2023810273, ClinGen allele CA404243671.

ClinVar aggregate classification (germline): Uncertain significance. Review status: criteria provided, single submitter (1 of 4 stars). 2 submissions from 2 submitters: Uncertain significance (1). 1 of the submissions does not count toward it. Last evaluated 2022-05-12.

Conditions:
Deficiency of alpha-mannosidase (MANSA). Also called: Mannosidosis, alpha-, types I and II; Alpha-Mannosidosis; LYSOSOMAL ALPHA-D-MANNOSIDASE DEFICIENCY. Identifiers: Orphanet 61, MedGen C0024748, MONDO:0009561, OMIM 248500.

Allele frequency attached by ClinVar (database versions not stated): TOPMed below 0.00001.
gnomAD v4.1: 1 of 1,605,728 alleles (0.000062%); highest among the groups gnomAD compares: Non-Finnish European, 0.000085%; no homozygotes.

Submissions (2):

Labcorp Genetics (formerly Invitae), Labcorp
Classification: Uncertain significance for Deficiency of alpha-mannosidase. Last evaluated: 2022-05-12. Review status: criteria provided, single submitter. Criteria: Invitae Variant Classification Sherloc (09022015). Collection method: clinical testing. Allele origin: germline.
Comment: This sequence change replaces proline, which is neutral and non-polar, with threonine, which is neutral and polar, at codon 684 of the MAN2B1 protein (p.Pro684Thr). This variant is not present in population databases (gnomAD no frequency). This variant has not been reported in the literature in individuals affected with MAN2B1-related conditions. ClinVar contains an entry for this variant (Variation ID: 990082). Algorithms developed to predict the effect of missense changes on protein structure and function (SIFT, PolyPhen-2, Align-GVGD) all suggest that this variant is likely to be tolerated. In summary, the available evidence is currently insufficient to determine the role of this variant in disease. Therefore, it has been classified as a Variant of Uncertain Significance.

Natera, Inc.
Classification: Uncertain significance for Alpha-mannosidosis. Last evaluated: 2020-09-04. Review status: no assertion criteria provided. Collection method: clinical testing. Allele origin: germline. Not counted in ClinVar's aggregate classification.